The following is an entry in ClinVar:

ClinVar aggregate classification (germline): Uncertain significance. Review status: criteria provided, multiple submitters, no conflicts (2 of 4 stars). 2 submissions from 2 submitters: Uncertain significance (2). Last evaluated 2024-01-18.

Conditions:
Cardiomyopathy (CMYO). Also called: Cardiomyopathies. Identifiers: Orphanet 167848, MedGen C0878544, MONDO:0004994, HP:0001638. Inheritance: Various modes of inheritance.
Catecholaminergic polymorphic ventricular tachycardia 1. Also called: VENTRICULAR TACHYCARDIA, CATECHOLAMINERGIC POLYMORPHIC, 1, WITH OR WITHOUT ATRIAL DYSFUNCTION AND/OR DILATED CARDIOMYOPATHY; RYR2-Related Catecholaminergic Polymorphic Ventricular Tachycardia; VENTRICULAR TACHYCARDIA, STRESS-INDUCED POLYMORPHIC 1. Identifiers: Orphanet 3286, MedGen C1631597, MONDO:0011484, OMIM 604772.

Allele frequency attached by ClinVar (database versions not stated): gnomAD exomes below 0.00001; ExAC 0.00001.
gnomAD v4.1: 2 of 1,613,882 alleles (0.00012%); highest among the groups gnomAD compares: Non-Finnish European, 0.00017%; no homozygotes.

Submissions (2):

Labcorp Genetics (formerly Invitae), Labcorp
Classification: Uncertain significance for Catecholaminergic polymorphic ventricular tachycardia 1. Last evaluated: 2024-01-18. Review status: criteria provided, single submitter. Criteria: Invitae Variant Classification Sherloc (09022015). Collection method: clinical testing. Allele origin: germline.
Comment: This sequence change replaces glycine, which is neutral and non-polar, with aspartic acid, which is acidic and polar, at codon 1235 of the RYR2 protein (p.Gly1235Asp). This variant is present in population databases (rs765263326, gnomAD 0.0009%). This variant has not been reported in the literature in individuals affected with RYR2-related conditions. ClinVar contains an entry for this variant (Variation ID: 919644). Advanced modeling of protein sequence and biophysical properties (such as structural, functional, and spatial information, amino acid conservation, physicochemical variation, residue mobility, and thermodynamic stability) performed at Invitae indicates that this missense variant is expected to disrupt RYR2 protein function with a positive predictive value of 95%. In summary, the available evidence is currently insufficient to determine the role of this variant in disease. Therefore, it has been classified as a Variant of Uncertain Significance.

Color Diagnostics, LLC DBA Color Health
Classification: Uncertain significance for Cardiomyopathy. Last evaluated: 2023-12-04. Review status: criteria provided, single submitter. Criteria: ACMG Guidelines, 2015. Collection method: clinical testing. Allele origin: germline.
Comment: This missense variant replaces glycine with aspartic acid at codon 1235 of the RYR2 protein. Computational prediction suggests that this variant may have deleterious impact on protein structure and function (internally defined REVEL score threshold >= 0.7, PMID: 27666373). To our knowledge, functional studies have not been reported for this variant. This variant has not been reported in individuals affected with RYR2-related disorders in the literature. This variant has been identified in 1/249058 chromosomes in the general population by the Genome Aggregation Database (gnomAD). The available evidence is insufficient to determine the role of this variant in disease conclusively. Therefore, this variant is classified as a Variant of Uncertain Significance.

NM_001035.3(RYR2):c.3704G>A (p.Gly1235Asp)

Gene: RYR2 (ryanodine receptor 2; plus strand). Cytogenetic location: 1q43.
Variant type: single nucleotide variant.
Coding change: c.3704G>A on transcript NM_001035.3 (MANE Select); coding-DNA position 3704, G replaced by A.
Protein change: p.Gly1235Asp; replaces glycine 1235 with aspartic acid.
Molecular consequence: missense variant.
Genome position (GRCh38, 1-based): chr1:237,589,898, G>A. VCF-style: chr1-237589898-G-A. GRCh37 (hg19) VCF-style: chr1-237753198-G-A.
Other names: short protein forms G1235D.
Identifiers: ClinVar variation 919644 (VCV000919644.7), dbSNP rs765263326, ClinGen allele CA086435.